The following is an entry in ClinVar:

NM_006506.5(RASA2):c.480T>G (p.Asn160Lys)

Gene: RASA2 (RAS p21 protein activator 2; plus strand). Cytogenetic location: 3q23.
Variant type: single nucleotide variant.
Coding change: c.480T>G on transcript NM_006506.5 (MANE Select); coding-DNA position 480, T replaced by G.
Protein change: p.Asn160Lys; replaces asparagine 160 with lysine.
Molecular consequence: missense variant.
Genome position (GRCh38, 1-based): chr3:141,540,562, T>G. VCF-style: chr3-141540562-T-G. GRCh37 (hg19) VCF-style: chr3-141259404-T-G.
Other names: c.480T>G, p.Asn160Lys (NM_001303245.3, NM_001303246.3); short protein forms N160K.
Identifiers: ClinVar variation 1743277 (VCV001743277.2), dbSNP rs2478570896, ClinGen allele CA354772286.
Genomic context (GRCh38, chr3:141,540,562, plus strand): 5'-TACTCAGTTTGTAATCTTTTTGTCATTATAGGGTAAAGTTCACCTTGAATTAAAACTGAA[T>G]GAACTGATAACGGAGAATGGAACTGTATGCCAGCAGCTTGTTGTACAGTAAGCATTTTTT-3'
Protein context (NP_006497.2, residues 150-170): QGKVHLELKL[Asn160Lys]ELITENGTVC

ClinVar aggregate classification (germline): Uncertain significance (1 of 4 stars; one submission).

Submission:

Ambry Genetics
Classification: Uncertain significance. Last evaluated: 2021-08-02. Review status: criteria provided, single submitter. Criteria: Ambry Variant Classification Scheme 2023. Collection method: clinical testing. Allele origin: germline.
Comment: The p.N160K variant (also known as c.480T>G), located in coding exon 5 of the RASA2 gene, results from a T to G substitution at nucleotide position 480. The asparagine at codon 160 is replaced by lysine, an amino acid with similar properties. This amino acid position is conserved. In addition, this alteration is predicted to be tolerated by in silico analysis. Since supporting evidence is limited at this time, the clinical significance of this alteration remains unclear.